The following is an entry in ClinVar:

NM_001374736.1(DST):c.18488G>A (p.Trp6163Ter)

Gene: DST (dystonin; minus strand). Cytogenetic location: 6p12.1.
Variant type: single nucleotide variant.
Coding change: c.18488G>A on transcript NM_001374736.1 (MANE Select); coding-DNA position 18488, G replaced by A.
Protein change: p.Trp6163Ter; replaces tryptophan 6163 with a stop codon.
Molecular consequence: nonsense.
Genome position (GRCh38, 1-based): chr6:56,515,538, C>T on the plus strand (G>A on the coding strand, the complement: DST is on the minus strand). VCF-style: chr6-56515538-C-T. GRCh37 (hg19) VCF-style: chr6-56380336-C-T.
Other names: c.12131G>A, p.Trp4044Ter (NM_001144769.5); c.11717G>A, p.Trp3906Ter (NM_001144770.2); c.18488G>A, p.Trp6163Ter (NM_001374722.1); c.17528G>A, p.Trp5843Ter (NM_001374729.1); c.11270G>A, p.Trp3757Ter (NM_001374730.1); c.18515G>A, p.Trp6172Ter (NM_001374734.1); c.11597G>A, p.Trp3866Ter (NM_001386100.1, NM_183380.4); c.10619G>A, p.Trp3540Ter (NM_015548.5); short protein forms W3540*, W3757*, W3866*, W3906*, W4044*, W5843*, W6163*, W6172*.
Identifiers: ClinVar variation 3763678 (VCV003763678.2).

ClinVar aggregate classification (germline): Pathogenic (1 of 4 stars; one submission).

Conditions:
Hereditary sensory and autonomic neuropathy type 6. Also called: Neuropathy, hereditary sensory and autonomic, type VI; HSAN VI. Identifiers: Orphanet 314381, MedGen C3539003, MONDO:0013839, OMIM 614653.
Epidermolysis bullosa simplex 3, localized or generalized intermediate, with BP230 deficiency (EBS3). Also called: Epidermolysis bullosa simplex, autosomal recessive 2; Epidermolysis bullosa simplex due to BP230 deficiency. Identifiers: Orphanet 412181, MedGen C3809470, MONDO:0014180, OMIM 615425.

Submission:

Labcorp Genetics (formerly Invitae), Labcorp
Classification: Pathogenic for Epidermolysis bullosa simplex 3, localized or generalized intermediate, with BP230 deficiency; Hereditary sensory and autonomic neuropathy type 6. Last evaluated: 2024-03-03. Review status: criteria provided, single submitter. Criteria: Invitae Variant Classification Sherloc (09022015). Collection method: clinical testing. Allele origin: germline.
Comment: The DST gene has multiple clinically relevant transcripts. This variant occurs in alternate transcript NM_015548.4, and corresponds to NM_001723.5:c.*99979G>A in the primary transcript. This sequence change creates a premature translational stop signal (p.Trp3540*) in the DST gene. It is expected to result in an absent or disrupted protein product. Loss-of-function variants in DST are known to be pathogenic (PMID: 22522446, 25059916, 30371979). This variant is not present in population databases (gnomAD no frequency). This variant has not been reported in the literature in individuals affected with DST-related conditions. For these reasons, this variant has been classified as Pathogenic.

Literature cited by the submitters: PubMed 22522446; PubMed 25059916; PubMed 30371979.